The following is an entry in ClinVar:

NM_000823.4(GHRHR):c.15G>T (p.Met5Ile)

Gene: GHRHR (growth hormone releasing hormone receptor; plus strand). Cytogenetic location: 7p14.3.
Variant type: single nucleotide variant.
Coding change: c.15G>T on transcript NM_000823.4 (MANE Select); coding-DNA position 15, G replaced by T.
Protein change: p.Met5Ile; replaces methionine 5 with isoleucine.
Molecular consequence: missense variant.
Genome position (GRCh38, 1-based): chr7:30,964,083, G>T. VCF-style: chr7-30964083-G-T. GRCh37 (hg19) VCF-style: chr7-31003698-G-T.
Other names: short protein forms M5I.
Identifiers: ClinVar variation 2100297 (VCV002100297.4), dbSNP rs1297991492, ClinGen allele CA367146471.

ClinVar aggregate classification (germline): Uncertain significance (1 of 4 stars; one submission).

Submission:

Labcorp Genetics (formerly Invitae), Labcorp
Classification: Uncertain significance. Last evaluated: 2024-01-22. Review status: criteria provided, single submitter. Criteria: Invitae Variant Classification Sherloc (09022015). Collection method: clinical testing. Allele origin: germline.
Comment: This sequence change replaces methionine, which is neutral and non-polar, with isoleucine, which is neutral and non-polar, at codon 5 of the GHRHR protein (p.Met5Ile). This variant is not present in population databases (gnomAD no frequency). This variant has not been reported in the literature in individuals affected with GHRHR-related conditions. ClinVar contains an entry for this variant (Variation ID: 2100297). An algorithm developed to predict the effect of missense changes on protein structure and function (PolyPhen-2) suggests that this variant is likely to be tolerated. In summary, the available evidence is currently insufficient to determine the role of this variant in disease. Therefore, it has been classified as a Variant of Uncertain Significance.